The following is an entry in ClinVar:

NM_000138.5(FBN1):c.2942G>C (p.Cys981Ser)

Gene: FBN1 (fibrillin 1; minus strand). Cytogenetic location: 15q21.1.
Variant type: single nucleotide variant.
Coding change: c.2942G>C on transcript NM_000138.5 (MANE Select); coding-DNA position 2942, G replaced by C.
Protein change: p.Cys981Ser; replaces cysteine 981 with serine.
Molecular consequence: missense variant.
Genome position (GRCh38, 1-based): chr15:48,489,991, C>G on the plus strand (G>C on the coding strand, the complement: FBN1 is on the minus strand). VCF-style: chr15-48489991-C-G. GRCh37 (hg19) VCF-style: chr15-48782188-C-G.
Other names: short protein forms C981S.
Identifiers: ClinVar variation 179765 (VCV000179765.5), dbSNP rs727505110, ClinGen allele CA013576.
Genomic context (GRCh38, chr15:48,489,991, plus strand): 5'-GTATTTCTCATGGGACACTCCTCGCATTCCTCAGTACCCCAGGCTGCCCCGACGGAGCAG[C>G]AGCAGGCGTCCATGCGGTGGCGGCCAGCAATAGGCAGGGTGCACTCCTCGTCCTCGTACC-3'
Protein context (NP_000129.3, residues 971-991): IAGRHRMDAC[Cys981Ser]CSVGAAWGTE

ClinVar aggregate classification (germline): Likely pathogenic. Review status: criteria provided, multiple submitters, no conflicts (2 of 4 stars). 2 submissions from 2 submitters: Likely pathogenic (2). Last evaluated 2024-06-27.

Conditions:
Marfan syndrome (MFS). Also called: Marfan syndrome, classic; FBN1-Related Marfan Syndrome; Marfan syndrome type 1; Marfan's syndrome; MARFAN SYNDROME, TYPE I. Identifiers: Orphanet 284963, Orphanet 558, MedGen C0024796, MONDO:0007947, OMIM 154700.

Allele frequency attached by ClinVar (database versions not stated): gnomAD exomes below 0.00001.
gnomAD v4.1: 1 of 1,614,156 alleles (0.000062%); highest among the groups gnomAD compares: Non-Finnish European, 0.000085%; no homozygotes.

Submissions (2):

GeneDx
Classification: Likely pathogenic. Last evaluated: 2024-06-27. Review status: criteria provided, single submitter. Criteria: GeneDx Variant Classification Process June 2021. Collection method: clinical testing. Allele origin: germline. Affected: yes.
Comment: Affects a cysteine residue within a TGF-binding protein domain (aka TB domain or 8-Cysteine domain) and is expected to disrupt disulfide bonding within this domain; other missense substitutions that affect cysteine residues within TGF-binding protein domains have been reported in association with FBN1-related disorders (PMIDs: 8281141, 21175431, 7622614; HGMD); Not observed at significant frequency in large population cohorts (gnomAD); In silico analysis supports that this missense variant has a deleterious effect on protein structure/function; This variant is associated with the following publications: (PMID: 8281141, 21175431, 7622614, 16835936, 19161152, 17627385)

Laboratory for Molecular Medicine, Mass General Brigham Personalized Medicine
Classification: Likely pathogenic for Marfan syndrome. Last evaluated: 2014-09-09. Review status: criteria provided, single submitter. Criteria: LMM Criteria. Collection method: clinical testing. Allele origin: germline. Inheritance: Autosomal dominant inheritance. Observed: 1 variant allele.
Comment: The Cys981Ser variant in FBN1 has been reported in two individuals with clinical features of Marfan syndrome, 1 in which occured de novo (Sakai 2006; LMM unpubl ished data). It was absent from large population studies. Computational predicti on tools and conservation analysis suggest that this variant may impact the prot ein, though this information is not predictive enough to determine pathogenicity . In summary, although additional studies are required to fully establish its cl inical significance, the Cys981Ser variant is likely pathogenic.

Literature cited by the submitters: PubMed 16835936 (cited by Laboratory for Molecular Medicine, Mass General Brigham Personalized Medicine).